The following is an entry in ClinVar:

ClinVar aggregate classification (germline): Conflicting classifications of pathogenicity. Review status: criteria provided, conflicting classifications (1 of 4 stars). 5 submissions from 4 submitters: Uncertain significance (3); Benign (1); Likely benign (1). Last evaluated 2024-12-04.

Conditions:
Transient Neonatal Diabetes, Dominant/Recessive.
Maturity-onset diabetes of the young type 10. Identifiers: Orphanet 552, MedGen C3150617, MONDO:0013240, OMIM 613370.
INS-related disorder. Also called: INS-related condition.

Allele frequency attached by ClinVar (database versions not stated): gnomAD exomes 0.00002 and 0.00004; gnomAD 0.00003; TOPMed 0.00003; ExAC 0.00006.

Submissions (5):

PreventionGenetics, part of Exact Sciences
Classification: Uncertain significance for INS-related condition. Last evaluated: 2024-12-04. Review status: criteria provided, single submitter. Criteria: ACMG Guidelines, 2015. Collection method: clinical testing. Allele origin: germline.
Comment: The INS c.130G>A variant is predicted to result in the amino acid substitution p.Gly44Arg. This variant has been reported in individuals with maturity-onset diabetes of the young (MODY) (Table S4, Flannick et al. 2013. PubMed ID: 24097065; Doddabelavangala Mruthyunjaya et al. 2017. PubMed ID: 28095440; Wang et al. 2020. PubMed ID: 32916194). In vitro functional studies using 293T cells demonstrated that expression of this variant resulted in impaired insulin production and endoplasmic reticulum (ER) retainment, resulting in ER stress (Wang et al. 2020. PubMed ID: 32916194). This variant is reported in 0.0057% of alleles in individuals of Latino descent in gnomAD. At this time, the clinical significance of this variant is uncertain due to the absence of conclusive functional and genetic evidence.

GeneDx
Classification: Uncertain significance. Last evaluated: 2019-08-15. Review status: criteria provided, single submitter. Criteria: GeneDx Variant Classification Process June 2021. Collection method: clinical testing. Allele origin: germline. Affected: yes.
Comment: In silico analysis, which includes protein predictors and evolutionary conservation, supports a deleterious effect; This variant is associated with the following publications: (PMID: 33046911, 32034745, 27913849, 28095440, 24097065)

Illumina Laboratory Services, Illumina
Classification: Benign for Transient Neonatal Diabetes, Dominant/Recessive. Last evaluated: 2018-01-13. Review status: criteria provided, single submitter. Criteria: ICSL Variant Classification Criteria 13 December 2019. Collection method: clinical testing. Allele origin: germline.
Comment: This variant was observed in the ICSL laboratory as part of a predisposition screen in an ostensibly healthy population. It had not been previously curated by ICSL or reported in the Human Gene Mutation Database (HGMD: prior to June 1st, 2018), and was therefore a candidate for classification through an automated scoring system. Utilizing variant allele frequency, disease prevalence and penetrance estimates, and inheritance mode, an automated score was calculated to assess if this variant is too frequent to cause the disease. Based on the score and internal cut-off values, a variant classified as benign is not then subjected to further curation. The score for this variant resulted in a classification of benign for this disease.

Illumina Laboratory Services, Illumina
Classification: Likely benign for Maturity-onset diabetes of the young type 10. Last evaluated: 2018-01-13. Review status: criteria provided, single submitter. Criteria: ICSL Variant Classification Criteria 13 December 2019. Collection method: clinical testing. Allele origin: germline.
Comment: This variant was observed in the ICSL laboratory as part of a predisposition screen in an ostensibly healthy population. It had not been previously curated by ICSL or reported in the Human Gene Mutation Database (HGMD: prior to June 1st, 2018), and was therefore a candidate for classification through an automated scoring system. Utilizing variant allele frequency, disease prevalence and penetrance estimates, and inheritance mode, an automated score was calculated to assess if this variant is too frequent to cause the disease. Based on the score and internal cut-off values, a variant classified as likely benign is not then subjected to further curation. The score for this variant resulted in a classification of likely benign for this disease.

Clinical Genomics, Uppaluri K&H Personalized Medicine Clinic
Classification: Uncertain significance for Maturity-onset diabetes of the young type 10. Review status: criteria provided, single submitter. Criteria: K &amp; H Uppaluri Personalized Medicine Clinic Variant Classification &amp; Assertion Criteria_Updated V.1. Collection method: research. Allele origin: unknown. Inheritance: Autosomal dominant inheritance.
Comment: Potent mutations in the INS gene can cause early onset diabetes mellitus which is insulin dependent. May have poor response to sulfonylureas, mutations in this gene can cause beta cell destruction.However, though the prevalence of p.Gly44Arg/rs765512575 in Maturity onset diabetes of the young is seen, there is no sufficient evidence to show the association of this variant with neonatal diabetes or MODY.

Literature cited by the submitters: PubMed 32916194 (cited by Clinical Genomics, Uppaluri K&H Personalized Medicine Clinic).

NM_000207.3(INS):c.130G>A (p.Gly44Arg)

Genes: INS (insulin; minus strand), INS-IGF2 (INS-IGF2 readthrough; minus strand). Cytogenetic location: 11p15.5.
Variant type: single nucleotide variant.
Coding change: c.130G>A on transcript NM_000207.3 (MANE Select); coding-DNA position 130, G replaced by A.
Protein change: p.Gly44Arg; replaces glycine 44 with arginine.
Molecular consequence: missense variant. On other transcripts: non-coding transcript variant (1).
Genome position (GRCh38, 1-based): chr11:2,160,842, C>T on the plus strand (G>A on the coding strand, the complement: INS is on the minus strand). VCF-style: chr11-2160842-C-T. GRCh37 (hg19) VCF-style: chr11-2182072-C-T.
Other names: c.130G>A, p.Gly44Arg (NM_001185097.2, NM_001185098.2, NM_001291897.2 and 1 more transcripts); short protein forms G44R.
Identifiers: ClinVar variation 304055 (VCV000304055.9), dbSNP rs765512575, ClinGen allele CA5818188.